The following is an entry in ClinVar:

NM_001458.5(FLNC):c.3582G>A (p.Ser1194=)

Gene: FLNC (filamin C; plus strand). Cytogenetic location: 7q32.1.
Variant type: single nucleotide variant.
Coding change: c.3582G>A on transcript NM_001458.5 (MANE Select); coding-DNA position 3582, G replaced by A.
Protein change: p.Ser1194=; no amino-acid change (serine 1194 retained).
Molecular consequence: synonymous variant.
Genome position (GRCh38, 1-based): chr7:128,845,047, G>A. VCF-style: chr7-128845047-G-A. GRCh37 (hg19) VCF-style: chr7-128485101-G-A.
Other names: c.3582G>A, p.Ser1194= (NM_001127487.2).
Identifiers: ClinVar variation 706507 (VCV000706507.26), dbSNP rs200712644, ClinGen allele CA4475072.

ClinVar aggregate classification (germline): Likely benign. Review status: criteria provided, multiple submitters, no conflicts (2 of 4 stars). 4 submissions from 4 submitters: Likely benign (4). Last evaluated 2025-12-08.

Conditions:
FLNC-related disorder. Also called: FLNC-related disorders; FLNC-related condition.
Cardiovascular phenotype. Identifiers: MedGen CN230736.
Hypertrophic cardiomyopathy 26. Also called: Cardiomyopathy, familial hypertrophic, 26. Identifiers: Orphanet 75249, MedGen C4310749, MONDO:0014883, OMIM 617047.
Myofibrillar myopathy 5. Also called: Filaminopathy (type); FILAMINOPATHY, AUTOSOMAL DOMINANT. Identifiers: Orphanet 171445, MedGen C1836050, MONDO:0012289, OMIM 609524.
Distal myopathy with posterior leg and anterior hand involvement. Also called: WILLIAMS DISTAL MYOPATHY. Identifiers: Orphanet 63273, MedGen C3279722, MONDO:0013550, OMIM 614065.

Allele frequency attached by ClinVar (database versions not stated): gnomAD exomes 0.00001 and 0.00004; gnomAD 0.00005 and 0.00007; TOPMed 0.00005; ExAC 0.00006.
gnomAD v4.1: 39 of 1,613,844 alleles (0.0024%); highest among the groups gnomAD compares: Middle Eastern, 0.049%; no homozygotes.

Submissions (4):

Labcorp Genetics (formerly Invitae), Labcorp
Classification: Likely benign for Distal myopathy with posterior leg and anterior hand involvement; Myofibrillar myopathy 5; Hypertrophic cardiomyopathy 26. Last evaluated: 2025-12-08. Review status: criteria provided, single submitter. Criteria: Invitae Variant Classification Sherloc (09022015). Collection method: clinical testing. Allele origin: germline.

PreventionGenetics, part of Exact Sciences
Classification: Likely benign for FLNC-related condition. Last evaluated: 2025-09-24. Review status: criteria provided, single submitter. Criteria: ACMG Guidelines, 2015. Collection method: clinical testing. Allele origin: germline.
Comment: This variant is classified as likely benign based on ACMG/AMP sequence variant interpretation guidelines (Richards et al. 2015 PMID: 25741868, with internal and published modifications).

CeGaT Center for Human Genetics Tuebingen
Classification: Likely benign. Last evaluated: 2024-11-01. Review status: criteria provided, single submitter. Criteria: CeGaT Center For Human Genetics Tuebingen Variant Classification Criteria Version 2. Collection method: clinical testing. Allele origin: germline. Affected: yes. Observed: 1 variant allele.
Comment: FLNC: BP4, BP7

Ambry Genetics
Classification: Likely benign for Cardiovascular phenotype. Last evaluated: 2020-02-09. Review status: criteria provided, single submitter. Criteria: Ambry Variant Classification Scheme 2023. Collection method: clinical testing. Allele origin: germline.